The following is an entry in ClinVar:

NM_001370100.5(ZMYND11):c.107G>A (p.Arg36His)

Gene: ZMYND11 (zinc finger MYND-type containing 11; plus strand). Cytogenetic location: 10p15.3.
Variant type: single nucleotide variant.
Coding change: c.107G>A on transcript NM_001370100.5 (MANE Select); coding-DNA position 107, G replaced by A.
Protein change: p.Arg36His; replaces arginine 36 with histidine.
Molecular consequence: missense variant. On other transcripts: 5 prime UTR variant (3), non-coding transcript variant (1), intron variant (5).
Genome position (GRCh38, 1-based): chr10:180,119, G>A. VCF-style: chr10-180119-G-A. GRCh37 (hg19) VCF-style: chr10-226059-G-A.
Other names: c.107G>A, p.Arg36His (NM_001370111.2, NM_001370113.2, NM_001370114.2 and 24 more transcripts); c.-40G>A (NM_001370112.2, NM_001370123.2, NM_001330057.3); c.-4-29770G>A (NM_001370118.2, NM_001370121.2); c.51-29770G>A (NM_001370116.2, NM_001370120.2); c.-34+45227G>A (NM_001370124.3); short protein forms R36H.
Identifiers: ClinVar variation 4856228 (VCV004856228.1).

ClinVar aggregate classification (germline): Likely pathogenic (1 of 4 stars; one submission).

Conditions:
Intellectual developmental disorder, autosomal dominant 30, with speech delay and behavioral abnormalities. Also called: Intellectual disability, autosomal dominant 30. Identifiers: Orphanet 436151, MedGen C4015167, MONDO:0014486, OMIM 616083.

Submission:

3billion
Classification: Likely pathogenic for Intellectual developmental disorder, autosomal dominant 30, with speech delay and behavioral abnormalities. Last evaluated: 2025-06-13. Review status: criteria provided, single submitter. Criteria: ACMG Guidelines, 2015. Collection method: clinical testing. Allele origin: germline. Affected: yes.
Comment: The variant is not observed in the gnomAD v4.1.0 dataset. Predicted Consequence/Location: Missense variant In silico tool predictions suggest damaging effect of the variant on gene or gene product [3Cnet: 0.92 (> 0.75, sensitivity 0.96 and precision 0.92)]. A different missense change at the same codon (p.Arg36Cys) has been reported to be associated with ZMYND11-related disorder (ClinVar ID: VCV002430310). Therefore, this variant is classified as Likely pathogenic according to the recommendation of ACMG/AMP guideline.